The following is an entry in ClinVar:

ClinVar aggregate classification (germline): Uncertain significance (1 of 4 stars; one submission).

Conditions:
Autosomal recessive ataxia, Beauce type. Also called: ATAXIA, RECESSIVE, OF BEAUCE; Spinocerebellar ataxia, autosomal recessive 8; SYNE1-Related Autosomal Recessive Cerebellar Ataxia; SYNE1 Deficiency. Identifiers: Orphanet 88644, MedGen C1853116, MONDO:0012549, OMIM 610743.
Emery-Dreifuss muscular dystrophy 4, autosomal dominant (EDMD4). Also called: EMERY-DREIFUSS MUSCULAR DYSTROPHY 4 WITH VARIABLE FEATURES. Identifiers: Orphanet 261, MedGen C2751807, MONDO:0013071, OMIM 612998.

Allele frequency attached by ClinVar (database versions not stated): gnomAD 0.00001; gnomAD exomes 0.00001; TOPMed 0.00001; ExAC 0.00002.
gnomAD v4.1: 10 of 1,614,068 alleles (0.00062%); highest among the groups gnomAD compares: East Asian, 0.022%; no homozygotes.

Submission:

Labcorp Genetics (formerly Invitae), Labcorp
Classification: Uncertain significance for Emery-Dreifuss muscular dystrophy 4, autosomal dominant; Autosomal recessive ataxia, Beauce type. Last evaluated: 2022-11-29. Review status: criteria provided, single submitter. Criteria: Invitae Variant Classification Sherloc (09022015). Collection method: clinical testing. Allele origin: germline.
Comment: In summary, the available evidence is currently insufficient to determine the role of this variant in disease. Therefore, it has been classified as a Variant of Uncertain Significance. Algorithms developed to predict the effect of missense changes on protein structure and function output the following: SIFT: "Tolerated"; PolyPhen-2: "Benign"; Align-GVGD: "Class C0". The histidine amino acid residue is found in multiple mammalian species, which suggests that this missense change does not adversely affect protein function. ClinVar contains an entry for this variant (Variation ID: 999424). This variant has not been reported in the literature in individuals affected with SYNE1-related conditions. This variant is present in population databases (rs752421314, gnomAD 0.02%). This sequence change replaces glutamine, which is neutral and polar, with histidine, which is basic and polar, at codon 7406 of the SYNE1 protein (p.Gln7406His).

NM_182961.4(SYNE1):c.22431A>C (p.Gln7477His)

Gene: SYNE1 (spectrin repeat containing nuclear envelope protein 1; minus strand). Cytogenetic location: 6q25.2.
Variant type: single nucleotide variant.
Coding change: c.22431A>C on transcript NM_182961.4 (MANE Select); coding-DNA position 22431, A replaced by C.
Protein change: p.Gln7477His; replaces glutamine 7477 with histidine.
Molecular consequence: missense variant.
Genome position (GRCh38, 1-based): chr6:152,213,675, T>G on the plus strand (A>C on the coding strand, the complement: SYNE1 is on the minus strand). VCF-style: chr6-152213675-T-G. GRCh37 (hg19) VCF-style: chr6-152534810-T-G.
Other names: c.22218A>C, p.Gln7406His (NM_033071.5); short protein forms Q7406H, Q7477H.
Identifiers: ClinVar variation 999424 (VCV000999424.8), dbSNP rs752421314, ClinGen allele CA4053883.